The following is an entry in ClinVar:

NM_058216.3(RAD51C):c.890T>C (p.Leu297Pro)

Gene: RAD51C (RAD51 paralog C; plus strand). Cytogenetic location: 17q22.
Variant type: single nucleotide variant.
Coding change: c.890T>C on transcript NM_058216.3 (MANE Select); coding-DNA position 890, T replaced by C.
Protein change: p.Leu297Pro; replaces leucine 297 with proline.
Molecular consequence: missense variant. On other transcripts: non-coding transcript variant (1).
Genome position (GRCh38, 1-based): chr17:58,720,798, T>C. VCF-style: chr17-58720798-T-C. GRCh37 (hg19) VCF-style: chr17-56798159-T-C.
Other names: short protein forms L297P.
Identifiers: ClinVar variation 186828 (VCV000186828.52), dbSNP rs143026267, ClinGen allele CA195984.

ClinVar aggregate classification (germline): Conflicting classifications of pathogenicity. Review status: criteria provided, conflicting classifications (1 of 4 stars). 16 submissions from 15 submitters: Uncertain significance (12); Likely benign (2). 2 of the submissions do not count toward it. Last evaluated 2026-07-22.

Conditions:
RAD51C-related disorder. Also called: RAD51C-related condition; RAD51C-related disorders.
Breast-ovarian cancer, familial, susceptibility to, 3. Also called: RAD51C-Related Breast/Ovarian Cancer. Identifiers: Orphanet 145, MedGen C3150659, MONDO:0013253, OMIM 613399.
Fanconi anemia complementation group O. Also called: RAD51C-Related Fanconi Anemia. Identifiers: Orphanet 84, MedGen C3150653, MONDO:0013248, OMIM 613390.
Hereditary cancer-predisposing syndrome. Also called: Neoplastic Syndromes, Hereditary; Tumor predisposition; Hereditary neoplastic syndrome; Hereditary Cancer Syndrome. Identifiers: Orphanet 140162, MedGen C0027672, MeSH D009386, MONDO:0015356.

Allele frequency attached by ClinVar (database versions not stated): gnomAD exomes 0.00002 and 0.00003; ExAC 0.00005; gnomAD 0.00016 and 0.00017; TOPMed 0.00019; ESP Exome Variant Server 0.00031.
gnomAD v4.1: 45 of 1,611,706 alleles (0.0028%); highest among the groups gnomAD compares: African/African-American, 0.06%; no homozygotes.

Submissions (16):

PreventionGenetics, part of Exact Sciences
Classification: Uncertain significance for RAD51C-related condition. Last evaluated: 2026-07-22. Review status: criteria provided, single submitter. Criteria: ACMG Guidelines, 2015. Collection method: clinical testing. Allele origin: germline.
Comment: The RAD51C c.890T>C variant is predicted to result in the amino acid substitution p.Leu297Pro. This variant has been reported in an individual with non-pancreatic ductal adenocarcinoma of the gallbladder (Table A2, Shindo et al. 2017. PubMed ID: 28767289), an individual with ovarian cancer (Table S1, Boni et al. 2022. PubMed ID: 34923718), and in a patient undergoing genetic testing for Lynch syndrome (Table S2, Yurgelun et al. 2015. PubMed ID: 25980754). A functional study demonstrated homology-directed repair activity comparable to wild-type (Supplementary Table 1, Hu et al. 2023. PubMed ID: 37253112). This variant is reported in 0.052% of alleles in individuals of African descent in gnomAD and has conflicting interpretations in ClinVar, ranging from uncertain significance to likely benign (Variation ID: 186828). At this time, the clinical significance of this variant is uncertain due to the absence of conclusive functional and genetic evidence.

Labcorp Genetics (formerly Invitae), Labcorp
Classification: Uncertain significance for Fanconi anemia complementation group O. Last evaluated: 2026-02-03. Review status: criteria provided, single submitter. Criteria: Invitae Variant Classification Sherloc (09022015). Collection method: clinical testing. Allele origin: germline.
Comment: This sequence change replaces leucine, which is neutral and non-polar, with proline, which is neutral and non-polar, at codon 297 of the RAD51C protein (p.Leu297Pro). This variant is present in population databases (rs143026267, gnomAD 0.05%). This missense change has been observed in individual(s) with gall bladder adenocarcinoma and an individual undergoing testing for Lynch syndrome (PMID: 25980754, 28767289). ClinVar contains an entry for this variant (Variation ID: 186828). Invitae Evidence Modeling of protein sequence and biophysical properties (such as structural, functional, and spatial information, amino acid conservation, physicochemical variation, residue mobility, and thermodynamic stability) indicates that this missense variant is expected to disrupt RAD51C protein function with a positive predictive value of 80%. In summary, the available evidence is currently insufficient to determine the role of this variant in disease. Therefore, it has been classified as a Variant of Uncertain Significance.

Ambry Genetics
Classification: Likely benign for Hereditary cancer-predisposing syndrome. Last evaluated: 2025-09-24. Review status: criteria provided, single submitter. Criteria: Ambry Variant Classification Scheme 2023. Collection method: clinical testing. Allele origin: germline.

Quest Diagnostics Nichols Institute San Juan Capistrano
Classification: Uncertain significance. Last evaluated: 2024-08-24. Review status: criteria provided, single submitter. Criteria: Quest Diagnostics criteria. Collection method: clinical testing. Allele origin: unknown.
Comment: The RAD51C c.890T>C (p.Leu297Pro) variant has been reported in the published literature in individuals with sporadic pancreatic cancer (PMID: 28767289 (2017)) and history of Lynch syndrome-associated cancer and/or polyps (PMID: 25980754 (2015)). It has also been observed in a cohort of individuals with prostate cancer and reportedly healthy individuals (PMID: 32832836 (2020)). The frequency of this variant in the general population, 0.00052 (13/24946 chromosomes (Genome Aggregation Database)), is uninformative in the assessment of its pathogenicity. Analysis of this variant using bioinformatics tools for the prediction of the effect of amino acid changes on protein structure and function yielded predictions that this variant is damaging. Based on the available information, we are unable to determine the clinical significance of this variant.

GeneDx
Classification: Uncertain significance. Last evaluated: 2024-08-06. Review status: criteria provided, single submitter. Criteria: GeneDx Variant Classification Process June 2021. Collection method: clinical testing. Allele origin: germline. Affected: yes.
Comment: Published functional studies demonstrate homology-directed repair activity comparable to wild-type (PMID: 37253112); In silico analysis supports that this missense variant has a deleterious effect on protein structure/function; This variant is associated with the following publications: (PMID: 28767289, 34923718, 25980754, 14704354, 37253112)

Blueprint Genetics
Classification: Uncertain significance. Last evaluated: 2024-06-28. Review status: criteria provided, single submitter. Criteria: ACMG Guidelines, 2015. Collection method: clinical testing. Allele origin: germline.

Baylor Genetics
Classification: Uncertain significance for Breast-ovarian cancer, familial, susceptibility to, 3. Last evaluated: 2024-03-29. Review status: criteria provided, single submitter. Criteria: ACMG Guidelines, 2015. Collection method: clinical testing. Allele origin: unknown.

Fulgent Genetics
Classification: Uncertain significance for Fanconi anemia complementation group O; Breast-ovarian cancer, familial, susceptibility to, 3. Last evaluated: 2024-03-06. Review status: criteria provided, single submitter. Criteria: ACMG Guidelines, 2015. Collection method: clinical testing. Allele origin: germline.

Color Diagnostics, LLC DBA Color Health
Classification: Uncertain significance for Hereditary cancer-predisposing syndrome. Last evaluated: 2023-10-12. Review status: criteria provided, single submitter. Criteria: ACMG Guidelines, 2015. Collection method: clinical testing. Allele origin: germline.
Comment: This missense variant replaces leucine with proline at codon 297 of the RAD51C protein. Computational prediction suggests that this variant may not impact protein structure and function (internally defined REVEL score threshold <= 0.5, PMID: 27666373). To our knowledge, functional studies have not been reported for this variant. This variant has been reported in one individual each affected with triple-negative breast cancer, Lynch syndrome-associated cancer and/or polyps (PMID: 25980754) and gallbladder cancer (PMID: 28767289). This variant has been identified in 13/282450 chromosomes in the general population by the Genome Aggregation Database (gnomAD). The available evidence is insufficient to determine the role of this variant in disease conclusively. Therefore, this variant is classified as a Variant of Uncertain Significance.

Myriad Genetics, Inc.
Classification: Likely benign for Breast-ovarian cancer, familial, susceptibility to, 3. Last evaluated: 2023-04-05. Review status: criteria provided, single submitter. Criteria: Myriad Autosomal Dominant, Autosomal Recessive and X-Linked Classification Criteria (2023). Collection method: clinical testing. Allele origin: unknown.
Comment: This variant is considered likely benign. This variant is strongly associated with less severe personal and family histories of cancer, typical for individuals without pathogenic variants in this gene [PMID: 25085752].

Women's Health and Genetics/Laboratory Corporation of America, LabCorp
Classification: Uncertain significance. Last evaluated: 2022-04-15. Review status: criteria provided, single submitter. Criteria: LabCorp Variant Classification Summary - May 2015. Collection method: clinical testing. Allele origin: germline.
Comment: Variant summary: RAD51C c.890T>C (p.Leu297Pro) results in a non-conservative amino acid change located in the DNA recombination and repair protein Rad51-like, C-terminal domain (IPR013632) of the encoded protein sequence. Four of five in-silico tools predict a damaging effect of the variant on protein function. The variant allele was found at a frequency of 3.2e-05 in 251048 control chromosomes, predominantly at a frequency of 0.00049 within the African or African-American subpopulation in the gnomAD database. The available data on variant occurrences in the general population are insufficient to allow any conclusion about variant significance. c.890T>C has been reported in the literature as a VUS in settings of multigene panel testing of individuals affected with/undergoing testing for Lynch syndrome, apparently sporadic pancreatic cancer (example, Yurgelun_2015, Shindo_2017) and in settings of integrated genomic profiling for patients with cancer (example, Beaubier_2019). These report(s) do not provide unequivocal conclusions about association of the variant with Hereditary Breast And Ovarian Cancer Syndrome/RAD51C-related disorders. To our knowledge, no experimental evidence demonstrating an impact on protein function has been reported. Eight clinical diagnostic laboratories have submitted clinical-significance assessments for this variant to ClinVar after 2014 without evidence for independent evaluation. All laboratories classified the variant as uncertain significance. Based on the evidence outlined above, the variant was classified as uncertain significance.

Sema4
Classification: Uncertain significance for Hereditary cancer-predisposing syndrome. Last evaluated: 2021-09-10. Review status: criteria provided, single submitter. Criteria: Sema4 Curation Guidelines. Collection method: curation. Allele origin: germline.
Comment: The RAD51C c.890T>C (p.L297P) variant has been reported in heterozygosity in at least one individual with gallbladder adenocarcinoma and in at least one individual with a personal history of Lynch syndrome-associated cancer and/or polyps (PMID: 28767289, 25980754). It was observed in 13/24946 chromosomes of the African/African American subpopulation in the large and broad cohorts of the Genome Aggregation Database (PMID: 32461654). The variant has been reported in ClinVar (Variation ID 186828). Functional studies have not been performed, and in silico predictions of the variant's effect on protein function are inconclusive. The evidence is insufficient to meet ACMG/AMP criteria for classifying the variant as benign or pathogenic. Thus, the clinical significance of this variant is currently uncertain.

Genetic Services Laboratory, University of Chicago
Classification: Uncertain significance. Last evaluated: 2018-10-31. Review status: criteria provided, single submitter. Criteria: ACMG Guidelines, 2015. Collection method: clinical testing. Allele origin: germline. Affected: no.

Eurofins Ntd Llc (ga)
Classification: Uncertain significance. Last evaluated: 2014-12-01. Review status: criteria provided, single submitter. Criteria: EGL Classification Definitions 2015. Collection method: clinical testing. Allele origin: germline. Observed: 1 variant allele, 1 heterozygote.

Counsyl
Classification: Uncertain significance for Fanconi anemia complementation group O. Last evaluated: 2016-09-06. Review status: no assertion criteria provided. Collection method: clinical testing. Allele origin: unknown. Not counted in ClinVar's aggregate classification.

Counsyl
Classification: Uncertain significance for Breast-ovarian cancer, familial, susceptibility to, 3. Last evaluated: 2016-09-06. Review status: no assertion criteria provided. Collection method: clinical testing. Allele origin: unknown. Not counted in ClinVar's aggregate classification.

Literature cited by the submitters: PubMed 25980754 (cited by 6 submitters); PubMed 28767289 (cited by 6 submitters); PubMed 32832836 (cited by Ambry Genetics and Quest Diagnostics Nichols Institute San Juan Capistrano); PubMed 37253112 (cited by Ambry Genetics); PubMed 34923718 (cited by Quest Diagnostics Nichols Institute San Juan Capistrano); PubMed 25085752 (cited by Myriad Genetics, Inc.).